The following is an entry in ClinVar:

ClinVar aggregate classification (germline): Likely benign (0 of 4 stars; one submission).

Conditions:
MEN1-related disorder. Also called: MEN1-related condition.

Submission:

PreventionGenetics, part of Exact Sciences
Classification: Likely benign for MEN1-related condition. Last evaluated: 2020-05-15. Review status: no assertion criteria provided. Collection method: clinical testing. Allele origin: germline.
Comment: This variant is classified as likely benign based on ACMG/AMP sequence variant interpretation guidelines (Richards et al. 2015 PMID: 25741868, with internal and published modifications).

NM_001370259.2(MEN1):c.-23-24T>A

Gene: MEN1 (menin 1; minus strand). Cytogenetic location: 11q13.1.
Variant type: single nucleotide variant.
Coding change: c.-23-24T>A on transcript NM_001370259.2 (MANE Select); 24 bases into the intron before 23 bases upstream of the start codon, T replaced by A.
Molecular consequence: intron variant.
Genome position (GRCh38, 1-based): chr11:64,810,156, A>T on the plus strand (T>A on the coding strand, the complement: MEN1 is on the minus strand). VCF-style: chr11-64810156-A-T. GRCh37 (hg19) VCF-style: chr11-64577628-A-T.
Other names: c.-23-24T>A (NM_130804.3, NM_130803.3, NM_001407148.1 and 20 more transcripts).
Identifiers: ClinVar variation 3037189 (VCV003037189.2), dbSNP rs1423431686, ClinGen allele CA938861000.